The following is an entry in ClinVar:

NM_015512.5(DNAH1):c.4449C>T (p.Arg1483=)

Gene: DNAH1 (dynein axonemal heavy chain 1; plus strand). Cytogenetic location: 3p21.1.
Variant type: single nucleotide variant.
Coding change: c.4449C>T on transcript NM_015512.5 (MANE Select); coding-DNA position 4449, C replaced by T.
Protein change: p.Arg1483=; no amino-acid change (arginine 1483 retained).
Molecular consequence: synonymous variant.
Genome position (GRCh38, 1-based): chr3:52,359,957, C>T. VCF-style: chr3-52359957-C-T. GRCh37 (hg19) VCF-style: chr3-52393973-C-T.
Other names: c.4449C>T (NM_015512.4).
Identifiers: ClinVar variation 2927769 (VCV002927769.5), dbSNP rs752606069, ClinGen allele CA2433912.

ClinVar aggregate classification (germline): Likely benign. Review status: criteria provided, single submitter (1 of 4 stars). 2 submissions from 2 submitters: Likely benign (1). 1 of the submissions does not count toward it. Last evaluated 2025-05-11.

Conditions:
DNAH1-related disorder. Also called: DNAH1-related condition.
Ciliary dyskinesia, primary, 37 (CILD37). Also called: CILIARY DYSKINESIA, PRIMARY, 37, WITH OR WITHOUT SITUS INVERSUS. Identifiers: MedGen C4539798, MONDO:0033204, OMIM 617577.
Spermatogenic failure 18. Identifiers: MedGen C4539783, MONDO:0054615, OMIM 617576.

Allele frequency attached by ClinVar (database versions not stated): TOPMed 0.00001; gnomAD exomes 0.00001; ExAC 0.00001; gnomAD 0.00003.
gnomAD v4.1: 23 of 1,613,798 alleles (0.0014%); highest among the groups gnomAD compares: Non-Finnish European, 0.0018%; no homozygotes.

Submissions (2):

Labcorp Genetics (formerly Invitae), Labcorp
Classification: Likely benign for Ciliary dyskinesia, primary, 37; Spermatogenic failure 18. Last evaluated: 2025-05-11. Review status: criteria provided, single submitter. Criteria: Invitae Variant Classification Sherloc (09022015). Collection method: clinical testing. Allele origin: germline.

PreventionGenetics, part of Exact Sciences
Classification: Likely benign for DNAH1-related condition. Last evaluated: 2019-08-09. Review status: no assertion criteria provided. Collection method: clinical testing. Allele origin: germline. Not counted in ClinVar's aggregate classification.
Comment: This variant is classified as likely benign based on ACMG/AMP sequence variant interpretation guidelines (Richards et al. 2015 PMID: 25741868, with internal and published modifications).